The following is an entry in ClinVar:

ClinVar aggregate classification (germline): Likely benign (0 of 4 stars; one submission).

Conditions:
KLHL21-related disorder. Also called: KLHL21-related condition.

Allele frequency attached by ClinVar (database versions not stated): gnomAD exomes 0.00005; 1000 Genomes Project 30x 0.00016; ExAC 0.00019; 1000 Genomes Project 0.00020; gnomAD 0.00049; ESP Exome Variant Server 0.00062; TOPMed 0.00063.
gnomAD v4.1: 138 of 1,613,610 alleles (0.0086%); highest among the groups gnomAD compares: African/African-American, 0.18%; no homozygotes.

Submission:

PreventionGenetics, part of Exact Sciences
Classification: Likely benign for KLHL21-related condition. Last evaluated: 2023-02-28. Review status: no assertion criteria provided. Collection method: clinical testing. Allele origin: germline.
Comment: This variant is classified as likely benign based on ACMG/AMP sequence variant interpretation guidelines (Richards et al. 2015 PMID: 25741868, with internal and published modifications).

NM_014851.4(KLHL21):c.1097C>T (p.Ala366Val)

Genes: KLHL21 (kelch like family member 21; minus strand), LOC126805599 (CDK7 strongly-dependent group 2 enhancer GRCh37_chr1:6658990-6660189; plus strand). Cytogenetic location: 1p36.31.
Variant type: single nucleotide variant.
Coding change: c.1097C>T on transcript NM_014851.4 (MANE Select); coding-DNA position 1097, C replaced by T.
Protein change: p.Ala366Val; replaces alanine 366 with valine.
Molecular consequence: missense variant.
Genome position (GRCh38, 1-based): chr1:6,599,377, G>A on the plus strand (C>T on the coding strand, the complement: KLHL21 is on the minus strand). VCF-style: chr1-6599377-G-A. GRCh37 (hg19) VCF-style: chr1-6659437-G-A.
Other names: c.1097C>T, p.Ala366Val (NM_001324309.2); short protein forms A366V.
Identifiers: ClinVar variation 3056491 (VCV003056491.2), dbSNP rs139415576, ClinGen allele CA564377.
Genomic context (GRCh38, chr1:6,599,377, plus strand): 5'-ACGTACAGCAGTCCGTCCAGCACAGAGGAGCTGTGGTACTCGCGGGCCTTCAGCATGGGC[G>A]CCACCTCCGCCCACTCATTCACGCTTGAGTTGTACCTCCACACGCAGTCATAGAGCCGGG-3'
Protein context (NP_055666.2, residues 356-376): NSSVNEWAEV[Ala366Val]PMLKAREYHS